The following is an entry in ClinVar:

ClinVar aggregate classification (germline): Likely benign (1 of 4 stars; one submission).

Submission:

CeGaT Center for Human Genetics Tuebingen
Classification: Likely benign. Last evaluated: 2022-12-01. Review status: criteria provided, single submitter. Criteria: CeGaT Center For Human Genetics Tuebingen Variant Classification Criteria Version 2. Collection method: clinical testing. Allele origin: germline. Affected: yes. Observed: 1 variant allele.
Comment: ADAMTSL1: BP4, BS2

NM_001040272.6(ADAMTSL1):c.2007-4_2007-3del

Gene: ADAMTSL1 (ADAMTS like 1; plus strand). Cytogenetic location: 9p22.1.
Variant type: Microsatellite.
Coding change: c.2007-4_2007-3del on transcript NM_001040272.6 (MANE Select); 4 bases into the intron before coding-DNA position 2007 through 3 bases into the intron before coding-DNA position 2007, 2 bases deleted (TC; older notation c.2007-4_2007-3delTC).
Molecular consequence: intron variant.
Genome position (GRCh38, 1-based): chr9:18,753,294-18,753,295, TC deleted; deleting any 2 consecutive bases within chr9:18,753,292-18,753,295 gives the same sequence; the c. name uses the placement nearest the transcript's 3' end. VCF-style (leftmost placement, unchanged base first): chr9-18753291-TTC-T. GRCh37 (hg19) VCF-style: chr9-18753289-TTC-T.
Identifiers: ClinVar variation 2659096 (VCV002659096.24), dbSNP rs1405540912, ClinGen allele CA587104900.